The following is an entry in ClinVar:

ClinVar aggregate classification (germline): Pathogenic/Likely pathogenic. Review status: criteria provided, multiple submitters, no conflicts (2 of 4 stars). 6 submissions from 6 submitters: Pathogenic (4); Likely pathogenic (2). Last evaluated 2025-12-31.

Conditions:
MYBPC3-related disorder. Also called: MYBPC3-related condition; MYBPC3-related disease; MYBPC3-related disorders.
Cardiomyopathy (CMYO). Also called: Cardiomyopathies. Identifiers: Orphanet 167848, MedGen C0878544, MONDO:0004994, HP:0001638. Inheritance: Various modes of inheritance.
Hypertrophic cardiomyopathy. Also called: HYPERTROPHIC MYOCARDIOPATHY. Identifiers: Orphanet 217569, MedGen C0007194, MeSH D002312, MONDO:0005045, HP:0001639.

Submissions (6):

Labcorp Genetics (formerly Invitae), Labcorp
Classification: Pathogenic for Hypertrophic cardiomyopathy. Last evaluated: 2025-12-31. Review status: criteria provided, single submitter. Criteria: Invitae Variant Classification Sherloc (09022015). Collection method: clinical testing. Allele origin: germline.
Comment: This sequence change creates a premature translational stop signal (p.Ser871Alafs*8) in the MYBPC3 gene. It is expected to result in an absent or disrupted protein product. Loss-of-function variants in MYBPC3 are known to be pathogenic (PMID: 19574547). The frequency data for this variant in the population databases is considered unreliable, as metrics indicate poor data quality at this position in the gnomAD database. This premature translational stop signal has been observed in individual(s) with hypertrophic cardiomyopathy (PMID: 20031618, 27532257, 27600940). This variant is also known as P870fs878X. ClinVar contains an entry for this variant (Variation ID: 181083). For these reasons, this variant has been classified as Pathogenic.

Blueprint Genetics
Classification: Pathogenic for MYBPC3-related disorders. Last evaluated: 2023-10-23. Review status: criteria provided, single submitter. Criteria: ACMG Guidelines, 2015. Collection method: clinical testing. Allele origin: germline. Affected: yes. Observed: 3 variant alleles.

GeneDx
Classification: Pathogenic. Last evaluated: 2020-05-21. Review status: criteria provided, single submitter. Criteria: GeneDx Variant Classification Process June 2021. Collection method: clinical testing. Allele origin: germline. Affected: yes.
Comment: Frameshift variant predicted to result in protein truncation or nonsense mediated decay in a gene for which loss-of-function is a known mechanism of disease; Not observed in large population cohorts (Lek et al., 2016); This variant is associated with the following publications: (PMID: 20031618, 27532257, 25351510, 27600940, 31513939)

Laboratory for Molecular Medicine, Mass General Brigham Personalized Medicine
Classification: Likely pathogenic for Hypertrophic cardiomyopathy. Last evaluated: 2019-10-14. Review status: criteria provided, single submitter. Criteria: ACMG Guidelines, 2015. Collection method: clinical testing. Allele origin: germline.
Comment: The p.Ser871AlafsX8 variant in MYBPC3 has been reported in at least 6 individuals with hypertrophic cardiomyopathy (Kaski 2009, Walsh 2017, Cecconi 2016). It was also identified in 11/168356 chromosomes by gnomAD; however, average read depth at this location was low, so the reliability of this data is unclear. The variant has also been reported in ClinVar (Variation ID 181083). This variant is predicted to cause a frameshift, which alters the protein’s amino acid sequence beginning at position 871 and leads to a premature termination codon 8 amino acids downstream. This alteration is then predicted to lead to a truncated or absent protein. Loss of function of the MYBPC3 gene is an established disease mechanism in autosomal dominant HCM. In summary, this variant meets criteria to be classified as pathogenic for autosomal dominant HCM. ACMG/AMP Criteria applied: PVS1.

CHEO Genetics Diagnostic Laboratory, Children's Hospital of Eastern Ontario
Classification: Pathogenic for Cardiomyopathy. Last evaluated: 2019-03-05. Review status: criteria provided, single submitter. Criteria: ACMG Guidelines, 2015. Collection method: clinical testing. Allele origin: germline.

Center for Human Genetics, University of Leuven
Classification: Likely pathogenic for Hypertrophic cardiomyopathy. Last evaluated: 2018-10-31. Review status: criteria provided, single submitter. Criteria: ACMG Guidelines, 2015. Collection method: clinical testing. Allele origin: germline. Affected: yes.

Literature cited by the submitters: PubMed 19574547 (cited by Labcorp Genetics (formerly Invitae), Labcorp); PubMed 20031618 (cited by Labcorp Genetics (formerly Invitae), Labcorp and Laboratory for Molecular Medicine, Mass General Brigham Personalized Medicine); PubMed 27532257 (cited by Labcorp Genetics (formerly Invitae), Labcorp and Laboratory for Molecular Medicine, Mass General Brigham Personalized Medicine); PubMed 27600940 (cited by Labcorp Genetics (formerly Invitae), Labcorp and Laboratory for Molecular Medicine, Mass General Brigham Personalized Medicine).

NC_000011.10:g.47336009del

Gene: MYBPC3 (myosin binding protein C3; minus strand). Cytogenetic location: 11p11.2.
Variant type: Deletion.
Molecular consequence: frameshift variant (on NM_000256.3).
Genome position: GRCh38 VCF-style: chr11-47336003-TG-T. GRCh37 (hg19) VCF-style: chr11-47357554-TG-T.
Other names: c.2610del, p.Ser871fs (LRG_386t1); c.2610delC (NM_000256.3).
Identifiers: ClinVar variation 181083 (VCV000181083.16), dbSNP rs397515979, ClinGen allele CA012712.